The following is an entry in ClinVar:

ClinVar aggregate classification (germline): Uncertain significance (1 of 4 stars; one submission).

Conditions:
Spondyloepiphyseal dysplasia with congenital joint dislocations (SEDCJD). Also called: Chondrodysplasia with Congenital Joint Dislocations, CHST3-Related. Identifiers: Orphanet 263463, MedGen C1837657, MONDO:0007738, OMIM 143095.

Submission:

Labcorp Genetics (formerly Invitae), Labcorp
Classification: Uncertain significance for Spondyloepiphyseal dysplasia with congenital joint dislocations. Last evaluated: 2025-01-13. Review status: criteria provided, single submitter. Criteria: Invitae Variant Classification Sherloc (09022015). Collection method: clinical testing. Allele origin: germline.
Comment: This sequence change replaces glutamic acid, which is acidic and polar, with valine, which is neutral and non-polar, at codon 212 of the CHST3 protein (p.Glu212Val). This variant is not present in population databases (gnomAD no frequency). This variant has not been reported in the literature in individuals affected with CHST3-related conditions. ClinVar contains an entry for this variant (Variation ID: 1004655). Invitae Evidence Modeling of protein sequence and biophysical properties (such as structural, functional, and spatial information, amino acid conservation, physicochemical variation, residue mobility, and thermodynamic stability) indicates that this missense variant is not expected to disrupt CHST3 protein function with a negative predictive value of 95%. In summary, the available evidence is currently insufficient to determine the role of this variant in disease. Therefore, it has been classified as a Variant of Uncertain Significance.

NM_004273.5(CHST3):c.635A>T (p.Glu212Val)

Gene: CHST3 (carbohydrate sulfotransferase 3; plus strand). Cytogenetic location: 10q22.1.
Variant type: single nucleotide variant.
Coding change: c.635A>T on transcript NM_004273.5 (MANE Select); coding-DNA position 635, A replaced by T.
Protein change: p.Glu212Val; replaces glutamic acid 212 with valine.
Molecular consequence: missense variant.
Genome position (GRCh38, 1-based): chr10:72,007,666, A>T. VCF-style: chr10-72007666-A-T. GRCh37 (hg19) VCF-style: chr10-73767424-A-T.
Other names: short protein forms E212V.
Identifiers: ClinVar variation 1004655 (VCV001004655.8), dbSNP rs1840057080, ClinGen allele CA377145463.
Genomic context (GRCh38, chr10:72,007,666, plus strand): 5'-TCAAGCAGCTCTTCCTGTGCGACCTGTACGTGCTGGAGCACTTCATCACGCCGCTGCCCG[A>T]GGACCACCTGACTCAGTTCATGTTCCGCCGGGGCTCCAGCCGCTCCCTGTGCGAGGACCC-3'
Protein context (NP_004264.2, residues 202-222): VLEHFITPLP[Glu212Val]DHLTQFMFRR